The following is an entry in ClinVar:

ClinVar aggregate classification (germline): Uncertain significance (1 of 4 stars; one submission).

Conditions:
Neurofibromatosis, type 2 (SWNV). Also called: BILATERAL ACOUSTIC NEUROFIBROMATOSIS; SCHWANNOMATOSIS, VESTIBULAR; NF2-Related Schwannomatosis. Identifiers: Orphanet 637, MedGen C0027832, MONDO:0007039, OMIM 101000. Disease mechanism: loss of function.

Submission:

Labcorp Genetics (formerly Invitae), Labcorp
Classification: Uncertain significance for Neurofibromatosis, type 2. Last evaluated: 2023-12-04. Review status: criteria provided, single submitter. Criteria: Invitae Variant Classification Sherloc (09022015). Collection method: clinical testing. Allele origin: germline.
Comment: This sequence change replaces phenylalanine, which is neutral and non-polar, with leucine, which is neutral and non-polar, at codon 35 of the NF2 protein (p.Phe35Leu). This variant is not present in population databases (gnomAD no frequency). This variant has not been reported in the literature in individuals affected with NF2-related conditions. Advanced modeling of protein sequence and biophysical properties (such as structural, functional, and spatial information, amino acid conservation, physicochemical variation, residue mobility, and thermodynamic stability) performed at Invitae indicates that this missense variant is not expected to disrupt NF2 protein function with a negative predictive value of 80%. In summary, the available evidence is currently insufficient to determine the role of this variant in disease. Therefore, it has been classified as a Variant of Uncertain Significance.

NM_000268.4(NF2):c.105C>G (p.Phe35Leu)

Gene: NF2 (NF2, moesin-ezrin-radixin like (MERLIN) tumor suppressor; plus strand). Cytogenetic location: 22q12.2.
Variant type: single nucleotide variant.
Coding change: c.105C>G on transcript NM_000268.4 (MANE Select); coding-DNA position 105, C replaced by G.
Protein change: p.Phe35Leu; replaces phenylalanine 35 with leucine.
Molecular consequence: missense variant. On other transcripts: 5 prime UTR variant (4), non-coding transcript variant (1).
Genome position (GRCh38, 1-based): chr22:29,604,103, C>G. VCF-style: chr22-29604103-C-G. GRCh37 (hg19) VCF-style: chr22-30000092-C-G.
Other names: c.-126C>G (NM_001407053.1, NM_001407056.1); c.105C>G, p.Phe35Leu (NM_001407054.1, NM_001407055.1, NM_001407057.1 and 15 more transcripts); c.-536C>G (NM_001407065.1); c.-152C>G (NM_001407067.1); short protein forms F35L.
Identifiers: ClinVar variation 2700747 (VCV002700747.3), dbSNP rs976153071, ClinGen allele CA411146294.